The following is an entry in ClinVar:

ClinVar aggregate classification (germline): Uncertain significance. Review status: criteria provided, multiple submitters, no conflicts (2 of 4 stars). 2 submissions from 2 submitters: Uncertain significance (2). Last evaluated 2024-11-10.

Conditions:
Inborn genetic diseases. Identifiers: MedGen C0950123, MeSH D030342.

Allele frequency attached by ClinVar (database versions not stated): gnomAD 0.00001; TOPMed 0.00001.
gnomAD v4.1: 30 of 1,613,974 alleles (0.0019%); highest among the groups gnomAD compares: Admixed American, 0.0033%; no homozygotes.

Submissions (2):

Ambry Genetics
Classification: Uncertain significance for Inborn genetic diseases. Last evaluated: 2024-11-10. Review status: criteria provided, single submitter. Criteria: Ambry Variant Classification Scheme 2023. Collection method: clinical testing. Allele origin: germline.

Labcorp Genetics (formerly Invitae), Labcorp
Classification: Uncertain significance. Last evaluated: 2022-02-14. Review status: criteria provided, single submitter. Criteria: Invitae Variant Classification Sherloc (09022015). Collection method: clinical testing. Allele origin: germline.
Comment: This sequence change replaces aspartic acid, which is acidic and polar, with asparagine, which is neutral and polar, at codon 462 of the MAPKBP1 protein (p.Asp462Asn). The frequency data for this variant in the population databases is considered unreliable, as metrics indicate poor data quality at this position in the gnomAD database. Algorithms developed to predict the effect of missense changes on protein structure and function are either unavailable or do not agree on the potential impact of this missense change (SIFT: "Deleterious"; PolyPhen-2: "Benign"; Align-GVGD: "Class C15"). In summary, the available evidence is currently insufficient to determine the role of this variant in disease. Therefore, it has been classified as a Variant of Uncertain Significance. This variant has not been reported in the literature in individuals affected with MAPKBP1-related conditions.

NM_014994.3(MAPKBP1):c.1366G>A (p.Asp456Asn)

Gene: MAPKBP1 (mitogen-activated protein kinase binding protein 1; plus strand). Cytogenetic location: 15q15.1.
Variant type: single nucleotide variant.
Coding change: c.1366G>A on transcript NM_014994.3 (MANE Select); coding-DNA position 1366, G replaced by A.
Protein change: p.Asp456Asn; replaces aspartic acid 456 with asparagine.
Molecular consequence: missense variant. On other transcripts: non-coding transcript variant (2).
Genome position (GRCh38, 1-based): chr15:41,815,672, G>A. VCF-style: chr15-41815672-G-A. GRCh37 (hg19) VCF-style: chr15-42107870-G-A.
Other names: c.1384G>A, p.Asp462Asn (NM_001128608.2); c.1366G>A, p.Asp456Asn (NM_001265611.2); c.1384G>A (NM_001128608.1); short protein forms D456N, D462N.
Identifiers: ClinVar variation 2179094 (VCV002179094.6), dbSNP rs1333409741, ClinGen allele CA391859866.